The following is an entry in ClinVar:

ClinVar aggregate classification (germline): Likely pathogenic (1 of 4 stars; one submission).

Submission:

Dasa
Classification: Likely pathogenic. Last evaluated: 2026-03-03. Review status: criteria provided, single submitter. Criteria: DASA Assertion Criteria. Collection method: clinical testing. Allele origin: germline.
Comment: NM_020318.3(PAPPA2):c.4884+2T>C affects a canonical splice site and is predicted to disrupt normal RNA splicing. Loss of function is an established disease mechanism for PAPPA2-associated disorders. Also, this variant is rare in population databases. Based on the currently available evidence, this variant is classified as likely pathogenic.

NM_020318.3(PAPPA2):c.4884+2T>C

Gene: PAPPA2 (pappalysin 2; plus strand). Cytogenetic location: 1q25.2.
Variant type: single nucleotide variant.
Coding change: c.4884+2T>C on transcript NM_020318.3 (MANE Select); the canonical splice donor site of the intron after coding-DNA position 4884, T replaced by C.
Molecular consequence: splice donor variant.
Genome position (GRCh38, 1-based): chr1:176,789,979, T>C. VCF-style: chr1-176789979-T-C. GRCh37 (hg19) VCF-style: chr1-176759115-T-C.
Identifiers: ClinVar variation 4881902 (VCV004881902.2).
Genomic context (GRCh38, chr1:176,789,979, plus strand): 5'-CCAATGGCTTCAGCCTGGACAGCCAGTGTGTGCTCAACTGTAACCAGGAACGTGAAAAGG[T>C]AAGGAACATTTTTTGAACTTATTTTCATCAGGCTGTGCTCTAATCTTGATGCCCAATCCA-3'